The following is an entry in ClinVar:

NM_000303.3(PMM2):c.712C>T (p.Arg238Cys)

Gene: PMM2 (phosphomannomutase 2; plus strand). Cytogenetic location: 16p13.2.
Variant type: single nucleotide variant.
Coding change: c.712C>T on transcript NM_000303.3 (MANE Select); coding-DNA position 712, C replaced by T.
Protein change: p.Arg238Cys; replaces arginine 238 with cysteine.
Molecular consequence: missense variant.
Genome position (GRCh38, 1-based): chr16:8,847,796, C>T. VCF-style: chr16-8847796-C-T. GRCh37 (hg19) VCF-style: chr16-8941653-C-T.
Other names: short protein forms R238C.
Identifiers: ClinVar variation 702628 (VCV000702628.21), dbSNP rs142459706, ClinGen allele CA7894213.

ClinVar aggregate classification (germline): Conflicting classifications of pathogenicity. Review status: criteria provided, conflicting classifications (1 of 4 stars). 7 submissions from 7 submitters: Uncertain significance (2); Likely benign (3). 2 of the submissions do not count toward it. Last evaluated 2026-01-25.

Conditions:
PMM2-related disorder. Also called: PMM2-related condition.
PMM2-congenital disorder of glycosylation. Also called: CDG Ia; JAEKEN SYNDROME; PHOSPHOMANNOMUTASE 2 DEFICIENCY; CARBOHYDRATE-DEFICIENT GLYCOPROTEIN SYNDROME, TYPE Ia; Congenital disorder of glycosylation, type Ia; PMM2-CDG. Identifiers: Orphanet 79318, MedGen C0349653, MONDO:0008907, OMIM 212065.

Allele frequency attached by ClinVar (database versions not stated): gnomAD 0.00003; TOPMed 0.00006; ESP Exome Variant Server 0.00015; ExAC 0.00100; gnomAD exomes 0.00104; 1000 Genomes Project 0.00200; 1000 Genomes Project 30x 0.00203.
gnomAD v4.1: 897 of 1,613,746 alleles (0.056%); highest among the groups gnomAD compares: South Asian, 0.86%; 8 homozygotes.

Submissions (7):

Labcorp Genetics (formerly Invitae), Labcorp
Classification: Likely benign for PMM2-congenital disorder of glycosylation. Last evaluated: 2026-01-25. Review status: criteria provided, single submitter. Criteria: Invitae Variant Classification Sherloc (09022015). Collection method: clinical testing. Allele origin: germline.

Blueprint Genetics
Classification: Likely benign. Last evaluated: 2024-11-13. Review status: criteria provided, single submitter. Criteria: ACMG Guidelines, 2015. Collection method: clinical testing. Allele origin: germline.

Fulgent Genetics
Classification: Uncertain significance for PMM2-congenital disorder of glycosylation. Last evaluated: 2024-04-06. Review status: criteria provided, single submitter. Criteria: ACMG Guidelines, 2015. Collection method: clinical testing. Allele origin: germline.

Center for Genomics, Ann and Robert H. Lurie Children's Hospital of Chicago
Classification: Uncertain significance for PMM2-congenital disorder of glycosylation. Last evaluated: 2022-01-27. Review status: criteria provided, single submitter. Criteria: ACMG Guidelines, 2015. Collection method: clinical testing. Allele origin: germline.
Comment: PMM2 NM_000303.2 exon 8 p.Arg238Cys (c.712C>T): This variant has not been reported in the literature but is present in 0.8% (251/30612) of South Asian alleles including 2 homozygotes in the Genome Aggregation Database. This variant amino acid Cysteine (Cys) is present in multiple species including mammals and is not well conserved among evolutionarily distant species; this suggests that this variant may not impact the protein. Additional computational prediction tools are unclear. This variant is present in ClinVar, with multiple labs classifying this variant as Likely Benign (Variation ID:702628). However, other variants at this position have been reported in association with disease (p.Arg238Pro, p.Arg238His) suggesting that this codon may have functional significance. In summary, data on this variant is insufficient for disease classification. Therefore, the clinical significance of this variant is uncertain.

Dubai Health Genomic Medicine Center, Dubai Health
Classification: Likely benign for PMM2-congenital disorder of glycosylation. Last evaluated: 2020-03-26. Review status: criteria provided, single submitter. Criteria: ACMG Guidelines, 2015. Collection method: clinical testing. Allele origin: germline. Affected: yes.

PreventionGenetics, part of Exact Sciences
Classification: Benign for PMM2-related condition. Last evaluated: 2024-01-29. Review status: no assertion criteria provided. Collection method: clinical testing. Allele origin: germline. Not counted in ClinVar's aggregate classification.
Comment: This variant is classified as benign based on ACMG/AMP sequence variant interpretation guidelines (Richards et al. 2015 PMID: 25741868, with internal and published modifications).

Natera, Inc.
Classification: Benign for Congenital disorder of glycosylation type 1a. Last evaluated: 2020-04-17. Review status: no assertion criteria provided. Collection method: clinical testing. Allele origin: germline. Not counted in ClinVar's aggregate classification.